The following is an entry in ClinVar:

NM_006767.4(LZTR1):c.1907C>T (p.Pro636Leu)

Gene: LZTR1 (leucine zipper like post translational regulator 1; plus strand). Cytogenetic location: 22q11.21.
Variant type: single nucleotide variant.
Coding change: c.1907C>T on transcript NM_006767.4 (MANE Select); coding-DNA position 1907, C replaced by T.
Protein change: p.Pro636Leu; replaces proline 636 with leucine.
Molecular consequence: missense variant.
Genome position (GRCh38, 1-based): chr22:20,994,991, C>T. VCF-style: chr22-20994991-C-T. GRCh37 (hg19) VCF-style: chr22-21349280-C-T.
Other names: short protein forms P636L.
Identifiers: ClinVar variation 1486867 (VCV001486867.14), dbSNP rs553579098, ClinGen allele CA10119104.

ClinVar aggregate classification (germline): Uncertain significance. Review status: criteria provided, multiple submitters, no conflicts (2 of 4 stars). 6 submissions from 6 submitters: Uncertain significance (6). Last evaluated 2025-07-24.

Conditions:
Noonan syndrome 2 (NS2). Identifiers: Orphanet 648, MedGen C1854469, MONDO:0011531, OMIM 605275.
LZTR1-related schwannomatosis. Also called: Schwannomatosis-2, susceptibility to; Schwannomatosis 2. Identifiers: Orphanet 93921, MedGen C3810283, MONDO:0014299, OMIM 615670.
Noonan syndrome 10 (NS10). Identifiers: Orphanet 648, MedGen C4225280, MONDO:0014693, OMIM 616564.
Hereditary cancer-predisposing syndrome. Also called: Tumor predisposition; Hereditary neoplastic syndrome; Hereditary Cancer Syndrome; Neoplastic Syndromes, Hereditary. Identifiers: Orphanet 140162, MedGen C0027672, MeSH D009386, MONDO:0015356.
Cardiovascular phenotype. Identifiers: MedGen CN230736.

Allele frequency attached by ClinVar (database versions not stated): TOPMed below 0.00001; gnomAD 0.00001; gnomAD exomes 0.00001; ExAC 0.00002; 1000 Genomes Project 30x 0.00016; 1000 Genomes Project 0.00020.
gnomAD v4.1: 5 of 1,612,920 alleles (0.00031%); highest among the groups gnomAD compares: East Asian, 0.0089%; no homozygotes.

Submissions (6):

Labcorp Genetics (formerly Invitae), Labcorp
Classification: Uncertain significance. Last evaluated: 2025-07-24. Review status: criteria provided, single submitter. Criteria: Invitae Variant Classification Sherloc (09022015). Collection method: clinical testing. Allele origin: germline.
Comment: This sequence change replaces proline, which is neutral and non-polar, with leucine, which is neutral and non-polar, at codon 636 of the LZTR1 protein (p.Pro636Leu). This variant is present in population databases (rs553579098, gnomAD 0.006%). This variant has not been reported in the literature in individuals affected with LZTR1-related conditions. ClinVar contains an entry for this variant (Variation ID: 1486867). Invitae Evidence Modeling of protein sequence and biophysical properties (such as structural, functional, and spatial information, amino acid conservation, physicochemical variation, residue mobility, and thermodynamic stability) indicates that this missense variant is not expected to disrupt LZTR1 protein function with a negative predictive value of 80%. In summary, the available evidence is currently insufficient to determine the role of this variant in disease. Therefore, it has been classified as a Variant of Uncertain Significance.

Ambry Genetics
Classification: Uncertain significance for Cardiovascular phenotype; Hereditary cancer-predisposing syndrome. Last evaluated: 2024-11-08. Review status: criteria provided, single submitter. Criteria: Ambry Variant Classification Scheme 2023. Collection method: clinical testing. Allele origin: germline.
Comment: The p.P636L variant (also known as c.1907C>T), located in coding exon 16 of the LZTR1 gene, results from a C to T substitution at nucleotide position 1907. The proline at codon 636 is replaced by leucine, an amino acid with similar properties. This amino acid position is highly conserved in available vertebrate species. In addition, this alteration is predicted to be tolerated by in silico analysis. Since supporting evidence is limited at this time, the clinical significance of this alteration remains unclear.

Fulgent Genetics
Classification: Uncertain significance for Noonan syndrome 2; LZTR1-related schwannomatosis; Noonan syndrome 10. Last evaluated: 2024-04-23. Review status: criteria provided, single submitter. Criteria: ACMG Guidelines, 2015. Collection method: clinical testing. Allele origin: germline.

Baylor Genetics
Classification: Uncertain significance for LZTR1-related schwannomatosis. Last evaluated: 2024-03-28. Review status: criteria provided, single submitter. Criteria: ACMG Guidelines, 2015. Collection method: clinical testing. Allele origin: unknown.

Blueprint Genetics
Classification: Uncertain significance. Last evaluated: 2022-10-13. Review status: criteria provided, single submitter. Criteria: ACMG Guidelines, 2015. Collection method: clinical testing. Allele origin: germline.

Women's Health and Genetics/Laboratory Corporation of America, LabCorp
Classification: Uncertain significance. Last evaluated: 2022-06-27. Review status: criteria provided, single submitter. Criteria: LabCorp Variant Classification Summary - May 2015. Collection method: clinical testing. Allele origin: germline.
Comment: Variant summary: LZTR1 c.1907C>T (p.Pro636Leu) results in a non-conservative amino acid change in the encoded protein sequence. Four of five in-silico tools predict a damaging effect of the variant on protein function. The variant allele was found at a frequency of 1.2e-05 in 250072 control chromosomes (gnomAD). The available data on variant occurrences in the general population are insufficient to allow any conclusion about variant significance. To our knowledge, no occurrence of c.1907C>T in individuals affected with Noonan Syndrome and no experimental evidence demonstrating its impact on protein function have been reported. One ClinVar submitter has assessed the variant since 2014: the variant was classified as of uncertain significance. Based on the evidence outlined above, the variant was classified as uncertain significance.